The following is an entry in ClinVar:

ClinVar aggregate classification (germline): Uncertain significance (1 of 4 stars; one submission).

Allele frequency attached by ClinVar (database versions not stated): TOPMed below 0.00001; gnomAD 0.00001; gnomAD exomes 0.00001.
gnomAD v4.1: 21 of 1,614,014 alleles (0.0013%); highest among the groups gnomAD compares: Non-Finnish European, 0.0014%; no homozygotes.

Submission:

Labcorp Genetics (formerly Invitae), Labcorp
Classification: Uncertain significance. Last evaluated: 2021-11-28. Review status: criteria provided, single submitter. Criteria: Invitae Variant Classification Sherloc (09022015). Collection method: clinical testing. Allele origin: germline.
Comment: In summary, the available evidence is currently insufficient to determine the role of this variant in disease. Therefore, it has been classified as a Variant of Uncertain Significance. Advanced modeling of protein sequence and biophysical properties (such as structural, functional, and spatial information, amino acid conservation, physicochemical variation, residue mobility, and thermodynamic stability) performed at Invitae indicates that this missense variant is not expected to disrupt PCDH12 protein function. This variant has not been reported in the literature in individuals affected with PCDH12-related conditions. This variant is present in population databases (no rsID available, gnomAD 0.003%). This sequence change replaces proline, which is neutral and non-polar, with histidine, which is basic and polar, at codon 424 of the PCDH12 protein (p.Pro424His).

NM_016580.4(PCDH12):c.1271C>A (p.Pro424His)

Genes: PCDH12 (protocadherin 12; minus strand), RNF14 (ring finger protein 14; plus strand). Cytogenetic location: 5q31.3.
Variant type: single nucleotide variant.
Coding change: c.1271C>A on transcript NM_016580.4 (MANE Select); coding-DNA position 1271, C replaced by A.
Protein change: p.Pro424His; replaces proline 424 with histidine.
Molecular consequence: missense variant.
Genome position (GRCh38, 1-based): chr5:141,956,581, G>T on the plus strand (C>A on the coding strand, the complement: PCDH12 is on the minus strand). VCF-style: chr5-141956581-G-T. GRCh37 (hg19) VCF-style: chr5-141336146-G-T.
Other names: short protein forms P424H.
Identifiers: ClinVar variation 1412880 (VCV001412880.6), dbSNP rs944750921, ClinGen allele CA128480538.